The following is an entry in ClinVar:

NM_000553.6(WRN):c.2248C>A (p.Leu750Met)

Gene: WRN (WRN RecQ like helicase; plus strand). Cytogenetic location: 8p12.
Variant type: single nucleotide variant.
Coding change: c.2248C>A on transcript NM_000553.6 (MANE Select); coding-DNA position 2248, C replaced by A.
Protein change: p.Leu750Met; replaces leucine 750 with methionine.
Molecular consequence: missense variant.
Genome position (GRCh38, 1-based): chr8:31,111,774, C>A. VCF-style: chr8-31111774-C-A. GRCh37 (hg19) VCF-style: chr8-30969290-C-A.
Other names: short protein forms L750M.
Identifiers: ClinVar variation 1008788 (VCV001008788.3), dbSNP rs1801328672, ClinGen allele CA370912887.

ClinVar aggregate classification (germline): Uncertain significance (1 of 4 stars; one submission).

Conditions:
Werner syndrome (WRN). Identifiers: Orphanet 902, MedGen C0043119, MONDO:0010196, OMIM 277700.

Submission:

Labcorp Genetics (formerly Invitae), Labcorp
Classification: Uncertain significance for Werner syndrome. Last evaluated: 2023-06-07. Review status: criteria provided, single submitter. Criteria: Invitae Variant Classification Sherloc (09022015). Collection method: clinical testing. Allele origin: germline.
Comment: In summary, the available evidence is currently insufficient to determine the role of this variant in disease. Therefore, it has been classified as a Variant of Uncertain Significance. This sequence change replaces leucine, which is neutral and non-polar, with methionine, which is neutral and non-polar, at codon 750 of the WRN protein (p.Leu750Met). This variant is not present in population databases (gnomAD no frequency). This variant has not been reported in the literature in individuals affected with WRN-related conditions. ClinVar contains an entry for this variant (Variation ID: 1008788). An algorithm developed to predict the effect of missense changes on protein structure and function (PolyPhen-2) suggests that this variant is likely to be disruptive.